The following is an entry in ClinVar:

NM_001282680.3(GAPVD1):c.3774C>T (p.Thr1258=)

Gene: GAPVD1 (GTPase activating protein and VPS9 domains 1; plus strand). Cytogenetic location: 9q33.3.
Variant type: single nucleotide variant.
Coding change: c.3774C>T on transcript NM_001282680.3 (MANE Select); coding-DNA position 3774, C replaced by T.
Protein change: p.Thr1258=; no amino-acid change (threonine 1258 retained).
Molecular consequence: synonymous variant. On other transcripts: non-coding transcript variant (2).
Genome position (GRCh38, 1-based): chr9:125,355,660, C>T. VCF-style: chr9-125355660-C-T. GRCh37 (hg19) VCF-style: chr9-128117939-C-T.
Other names: c.3828C>T, p.Thr1276= (NM_001282679.2); c.3711C>T, p.Thr1237= (NM_001282681.3, NM_001354297.2, NM_001354300.2); c.3630C>T, p.Thr1210= (NM_001330777.3); c.3693C>T, p.Thr1231= (NM_001330778.3); c.3774C>T, p.Thr1258= (NM_001354294.2, NM_001354295.2, NM_001354296.2 and 3 more transcripts); c.3855C>T, p.Thr1285= (NM_015635.4).
Identifiers: ClinVar variation 2659496 (VCV002659496.24), dbSNP rs376087686, ClinGen allele CA5240826.

ClinVar aggregate classification (germline): Likely benign (1 of 4 stars; one submission).

Allele frequency attached by ClinVar (database versions not stated): gnomAD 0.00008; TOPMed 0.00008; gnomAD exomes 0.00011; ESP Exome Variant Server 0.00015; 1000 Genomes Project 30x 0.00016; ExAC 0.00016; 1000 Genomes Project 0.00020.
gnomAD v4.1: 175 of 1,608,804 alleles (0.011%); highest among the groups gnomAD compares: South Asian, 0.1%; 2 homozygotes.

Submission:

CeGaT Center for Human Genetics Tuebingen
Classification: Likely benign. Last evaluated: 2023-04-01. Review status: criteria provided, single submitter. Criteria: CeGaT Center For Human Genetics Tuebingen Variant Classification Criteria Version 2. Collection method: clinical testing. Allele origin: germline. Affected: yes. Observed: 1 variant allele.
Comment: GAPVD1: BP4, BP7